The following is an entry in ClinVar:

NM_001134673.4(NFIA):c.278TTACAG[1] (p.Val95_Thr96del)

Gene: NFIA (nuclear factor I A; plus strand). Cytogenetic location: 1p31.3.
Variant type: Microsatellite.
Coding change: c.278TTACAG[1] on transcript NM_001134673.4 (MANE Select); one copy of the 6-base unit TTACAG starting at c.278; the reference has two copies in a row; one copy, 6 bases deleted; also written c.284_289del.
Protein change: p.Val95_Thr96del.
Genome position (GRCh38, 1-based): chr1:61,088,405-61,088,410, TTACAG deleted; deleting any 6 consecutive bases within chr1:61,088,399-61,088,410 gives the same sequence; the position shown is the placement nearest the transcript's 3' end. VCF-style (leftmost placement, unchanged base first): chr1-61088398-CTTACAG-C. GRCh37 (hg19) VCF-style: chr1-61554070-CTTACAG-C.
Other names: c.284_289del (NM_001134673.4); c.254TTACAG[1], p.Val87_Thr88del (NM_001145511.2); c.413TTACAG[1], p.Val140_Thr141del (NM_001145512.2); c.278TTACAG[1], p.Val95_Thr96del (NM_005595.5).
Identifiers: ClinVar variation 4886804 (VCV004886804.1).

ClinVar aggregate classification (germline): Uncertain significance (0 of 4 stars; one submission).

Submission:

Diagnostics Centre, Carl Von Ossietzky University Oldenburg
Classification: Uncertain significance. Last evaluated: 2025-12-19. Review status: no assertion criteria provided. Collection method: clinical testing. Allele origin: germline. Affected: yes. Observed: 1 variant allele.
Comment: The variant NM_001134673.4(NFIA):c.284_289del results in a deletion of two amino acids at protein positions 95–96. It is an in-frame deletion in the MH1 domain, in which missense and protein-truncating variants have already been described. The variant has not previously been described in ClinVar or in publications known to us.The variant is classified as rare in the general population (MAF 6.2 × 10⁻⁷ in gnomAD). In summary, this variant is classified as a variant of uncertain significance (VUS).